The following is an entry in ClinVar:

ClinVar aggregate classification (germline): Uncertain significance. Review status: criteria provided, multiple submitters, no conflicts (2 of 4 stars). 5 submissions from 5 submitters: Uncertain significance (5). Last evaluated 2026-03-19.

Conditions:
COL1A2-related disorder. Also called: COL1A2-related condition; COL1A2-Related Disorders.
Cardiovascular phenotype. Identifiers: MedGen CN230736.
Ehlers-Danlos syndrome, classic type, 1 (EDSCL1). Also called: EDS I; EHLERS-DANLOS SYNDROME, GRAVIS TYPE; EHLERS-DANLOS SYNDROME, SEVERE CLASSIC TYPE; Ehlers-Danlos syndrome, type 1; Ehlers-Danlos Syndrome, Classic Type, COL5A1-Related. Identifiers: MedGen C0268335, MONDO:0019567, OMIM 130000.
Osteogenesis imperfecta type I (OI1). Also called: Lobstein's Disease; Lobstein disease; Osteogenesis imperfecta type 1; OI, TYPE I; OSTEOGENESIS IMPERFECTA TARDA; OSTEOGENESIS IMPERFECTA WITH BLUE SCLERAE. Identifiers: Orphanet 216796, Orphanet 666, MedGen C0023931, MONDO:0008146, OMIM 166200. Disease mechanism: loss of function.

Allele frequency attached by ClinVar (database versions not stated): ExAC 0.00002; gnomAD exomes 0.00002; gnomAD 0.00005; TOPMed 0.00005.
gnomAD v4.1: 32 of 1,596,262 alleles (0.002%); highest among the groups gnomAD compares: African/African-American, 0.0027%; no homozygotes.

Submissions (5):

PreventionGenetics, part of Exact Sciences
Classification: Uncertain significance for COL1A2-related condition. Last evaluated: 2026-03-19. Review status: criteria provided, single submitter. Criteria: ACMG Guidelines, 2015. Collection method: clinical testing. Allele origin: germline.
Comment: The COL1A2 c.1880T>C variant is predicted to result in the amino acid substitution p.Val627Ala. To our knowledge, this variant has not been reported in the literature. This variant is reported in 0.0044% of alleles in individuals of African descent in gnomAD. At this time, the clinical significance of this variant is uncertain due to the absence of conclusive functional and genetic evidence.

Labcorp Genetics (formerly Invitae), Labcorp
Classification: Uncertain significance for Osteogenesis imperfecta type I; Ehlers-Danlos syndrome, classic type, 1. Last evaluated: 2025-05-05. Review status: criteria provided, single submitter. Criteria: Invitae Variant Classification Sherloc (09022015). Collection method: clinical testing. Allele origin: germline.
Comment: This sequence change replaces valine, which is neutral and non-polar, with alanine, which is neutral and non-polar, at codon 627 of the COL1A2 protein (p.Val627Ala). This variant is present in population databases (rs760732696, gnomAD 0.005%). This variant has not been reported in the literature in individuals affected with COL1A2-related conditions. ClinVar contains an entry for this variant (Variation ID: 1194395). Invitae Evidence Modeling of protein sequence and biophysical properties (such as structural, functional, and spatial information, amino acid conservation, physicochemical variation, residue mobility, and thermodynamic stability) indicates that this missense variant is not expected to disrupt COL1A2 protein function with a negative predictive value of 95%. In summary, the available evidence is currently insufficient to determine the role of this variant in disease. Therefore, it has been classified as a Variant of Uncertain Significance.

Women's Health and Genetics/Laboratory Corporation of America, LabCorp
Classification: Uncertain significance. Last evaluated: 2025-05-05. Review status: criteria provided, single submitter. Criteria: LabCorp Variant Classification Summary - May 2015. Collection method: clinical testing. Allele origin: germline.
Comment: Variant summary: COL1A2 c.1880T>C (p.Val627Ala) results in a non-conservative amino acid change in the encoded protein sequence. Algorithms developed to predict the effect of missense changes on protein structure and function are either unavailable or do not agree on the potential impact of this missense change. The variant allele was found at a frequency of 1.8e-05 in 221630 control chromosomes. The available data on variant occurrences in the general population are insufficient to allow any conclusion about variant significance. To our knowledge, no occurrence of c.1880T>C in individuals affected with Ehlers-Danlos syndrome, cardiac valvular type and no experimental evidence demonstrating its impact on protein function have been reported. ClinVar contains an entry for this variant (Variation ID: 1194395). Based on the evidence outlined above, the variant was classified as uncertain significance.

Ambry Genetics
Classification: Uncertain significance for Cardiovascular phenotype. Last evaluated: 2025-04-01. Review status: criteria provided, single submitter. Criteria: Ambry Variant Classification Scheme 2023. Collection method: clinical testing. Allele origin: germline.
Comment: The p.V627A variant (also known as c.1880T>C), located in coding exon 32 of the COL1A2 gene, results from a T to C substitution at nucleotide position 1880. The valine at codon 627 is replaced by alanine, an amino acid with similar properties. This amino acid position is not well conserved in available vertebrate species, and alanine is the reference amino acid in other vertebrate species. In addition, this alteration is predicted to be tolerated by in silico analysis. Since supporting evidence is limited at this time, the clinical significance of this alteration remains unclear.

GeneDx
Classification: Uncertain significance. Last evaluated: 2021-11-12. Review status: criteria provided, single submitter. Criteria: GeneDx Variant Classification Process June 2021. Collection method: clinical testing. Allele origin: germline. Affected: yes.
Comment: Has not been previously published as pathogenic or benign to our knowledge; Not observed at significant frequency in large population cohorts (Lek et al., 2016); In silico analysis supports that this missense variant does not alter protein structure/function; Not located in the triple helical region, where the majority of pathogenic missense variants occur (Stenson et al., 2014)

NM_000089.4(COL1A2):c.1880T>C (p.Val627Ala)

Gene: COL1A2 (collagen type I alpha 2 chain; plus strand). Cytogenetic location: 7q21.3.
Variant type: single nucleotide variant.
Coding change: c.1880T>C on transcript NM_000089.4 (MANE Select); coding-DNA position 1880, T replaced by C.
Protein change: p.Val627Ala; replaces valine 627 with alanine.
Molecular consequence: missense variant.
Genome position (GRCh38, 1-based): chr7:94,417,740, T>C. VCF-style: chr7-94417740-T-C. GRCh37 (hg19) VCF-style: chr7-94047052-T-C.
Other names: short protein forms V627A.
Identifiers: ClinVar variation 1194395 (VCV001194395.14), dbSNP rs760732696, ClinGen allele CA4347226.